The following is an entry in ClinVar:

NM_000179.3(MSH6):c.3127A>G (p.Asn1043Asp)

Gene: MSH6 (mutS homolog 6; plus strand). Cytogenetic location: 2p16.3.
Variant type: single nucleotide variant.
Coding change: c.3127A>G on transcript NM_000179.3 (MANE Select); coding-DNA position 3127, A replaced by G.
Protein change: p.Asn1043Asp; replaces asparagine 1043 with aspartic acid.
Molecular consequence: missense variant. On other transcripts: non-coding transcript variant (5), intron variant (2).
Genome position (GRCh38, 1-based): chr2:47,801,110, A>G. VCF-style: chr2-47801110-A-G. GRCh37 (hg19) VCF-style: chr2-48028249-A-G.
Other names: c.2737A>G, p.Asn913Asp (NM_001281492.2); c.2221A>G, p.Asn741Asp (NM_001281493.2, NM_001281494.2, NM_001406811.1 and 6 more transcripts); c.3223A>G, p.Asn1075Asp (NM_001406795.1, NM_001406802.1); c.3127A>G, p.Asn1043Asp (NM_001406796.1, NM_001406798.1, NM_001406800.1 and 2 more transcripts); c.2830A>G, p.Asn944Asp (NM_001406797.1, NM_001406801.1, NM_001406805.1 and 10 more transcripts); c.2602A>G, p.Asn868Asp (NM_001406799.1, NM_001406806.1, NM_001406807.1); c.3049A>G, p.Asn1017Asp (NM_001406804.1); c.3133A>G, p.Asn1045Asp (NM_001406813.1); and 4 more; short protein forms N1075D, N1017D, N868D, N913D, N987D, N1043D, N1045D, N358D.
Identifiers: ClinVar variation 3296383 (VCV003296383.1).
Genomic context (GRCh38, chr2:47,801,110, plus strand): 5'-GAACGGAGGGATGTATCATTGAAGGACTGCATGCGGCGACTGTTCTATAACTTTGATAAA[A>G]ATTACAAGGACTGGCAGTCTGCTGTAGAGTGTATCGCAGTGTTGGGTAAGACTTTGAACA-3'
Protein context (NP_000170.1, residues 1033-1053): MRRLFYNFDK[Asn1043Asp]YKDWQSAVEC

ClinVar aggregate classification (germline): Uncertain significance (1 of 4 stars; one submission).

Conditions:
Hereditary cancer-predisposing syndrome. Also called: Tumor predisposition; Hereditary Cancer Syndrome; Hereditary neoplastic syndrome; Neoplastic Syndromes, Hereditary. Identifiers: Orphanet 140162, MedGen C0027672, MeSH D009386, MONDO:0015356.

Submission:

Ambry Genetics
Classification: Uncertain significance for Hereditary cancer-predisposing syndrome. Last evaluated: 2024-04-17. Review status: criteria provided, single submitter. Criteria: Ambry Variant Classification Scheme 2023. Collection method: clinical testing. Allele origin: germline.
Comment: The p.N1043D variant (also known as c.3127A>G), located in coding exon 4 of the MSH6 gene, results from an A to G substitution at nucleotide position 3127. The asparagine at codon 1043 is replaced by aspartic acid, an amino acid with highly similar properties. This amino acid position is conserved. In addition, the in silico prediction for this alteration is inconclusive. Based on the available evidence, the clinical significance of this variant remains unclear.